The following is an entry in ClinVar:

NM_014633.5(CTR9):c.1256C>T (p.Ala419Val)

Genes: CTR9 (CTR9 homolog, Paf1/RNA polymerase II complex component; plus strand), LOC126861140 (CDK7 strongly-dependent group 2 enhancer GRCh37_chr11:10785333-10786532; plus strand). Cytogenetic location: 11p15.4.
Variant type: single nucleotide variant.
Coding change: c.1256C>T on transcript NM_014633.5 (MANE Select); coding-DNA position 1256, C replaced by T.
Protein change: p.Ala419Val; replaces alanine 419 with valine.
Molecular consequence: missense variant.
Genome position (GRCh38, 1-based): chr11:10,764,173, C>T. VCF-style: chr11-10764173-C-T. GRCh37 (hg19) VCF-style: chr11-10785720-C-T.
Other names: c.1256C>T, p.Ala419Val (NM_001346279.2); short protein forms A419V.
Identifiers: ClinVar variation 3600387 (VCV003600387.1).
Genomic context (GRCh38, chr11:10,764,173, plus strand): 5'-GCCATTTGAAGAAGGTCACAGAACAGTATCCCGATGATGTTGAAGCTTGGATTGAATTGG[C>T]ACAAATCTTAGAACAGACTGATATACAGGTATTTTAGTAATGTTTTTTAATCTCTCATAT-3'
Protein context (NP_055448.1, residues 409-429): PDDVEAWIEL[Ala419Val]QILEQTDIQG

ClinVar aggregate classification (germline): Uncertain significance (1 of 4 stars; one submission).

Conditions:
CTR9-related neurodevelopmental disorder. Identifiers: MedGen CN378764, MONDO:1040006.

gnomAD v4.1: 1 of 1,614,134 alleles (0.000062%); highest among the groups gnomAD compares: Non-Finnish European, 0.000085%; no homozygotes.

Submission:

Clinical Genomics Laboratory, Washington University in St. Louis
Classification: Uncertain significance for CTR9-related neurodevelopmental disorder. Last evaluated: 2024-07-28. Review status: criteria provided, single submitter. Criteria: ACMG Guidelines, 2015. Collection method: clinical testing. Allele origin: germline.
Comment: The CTR9 c.1256C>T (p.Ala419Val) variant, to our knowledge, has not been reported in the medical literature. This variant is absent from the general population (gnomAD v.2.1.1), indicating it is not a common variant. Computational predictors are uncertain as to the impact of this variant on CTR9 function. Due to limited information, and based on ACMG/AMP guidelines for variant interpretation (Richards S et al., PMID: 25741868), the clinical significance of this variant is uncertain at this time.